The following is an entry in ClinVar:

NM_002609.4(PDGFRB):c.397G>A (p.Glu133Lys)

Gene: PDGFRB (platelet derived growth factor receptor beta; minus strand). Cytogenetic location: 5q32.
Variant type: single nucleotide variant.
Coding change: c.397G>A on transcript NM_002609.4 (MANE Select); coding-DNA position 397, G replaced by A.
Protein change: p.Glu133Lys; replaces glutamic acid 133 with lysine.
Molecular consequence: missense variant. On other transcripts: 5 prime UTR variant (1).
Genome position (GRCh38, 1-based): chr5:150,134,984, C>T on the plus strand (G>A on the coding strand, the complement: PDGFRB is on the minus strand). VCF-style: chr5-150134984-C-T. GRCh37 (hg19) VCF-style: chr5-149514547-C-T.
Other names: c.205G>A, p.Glu69Lys (NM_001355016.2); c.-121G>A (NM_001355017.2); short protein forms E69K, E133K.
Identifiers: ClinVar variation 4793264 (VCV004793264.1).
Genomic context (GRCh38, chr5:150,134,984, plus strand): 5'-CTGTTACTCGGCATGGAATGGTGATCTCAGTTATTTCCGTGAGAAAGATGAATAGTTCCT[C>T]GGCATCATTAGGGAGGAAGCCCACGGTGGGATCTGCCAGGAGTGGAGCCGTGAATAAATC-3'
Protein context (NP_002600.1, residues 123-143): PTVGFLPNDA[Glu133Lys]ELFIFLTEIT

ClinVar aggregate classification (germline): Uncertain significance (1 of 4 stars; one submission).

Conditions:
Skeletal overgrowth-craniofacial dysmorphism-hyperelastic skin-white matter lesions syndrome. Also called: SKELETAL OVERGROWTH WITH FACIAL DYSMORPHISM, HYPERELASTIC SKIN, WHITE MATTER LESIONS, AND NEUROLOGIC DETERIORATION; Kosaki overgrowth syndrome. Identifiers: Orphanet 477831, MedGen C4225270, MONDO:0014704, OMIM 616592.
Acroosteolysis-keloid-like lesions-premature aging syndrome. Also called: Premature aging syndrome, Penttinen type; Prematurely aged appearance, delayed bone maturation, acro-osteolysis, and brachydactyly; Progeroid syndrome, Penttinen type. Identifiers: Orphanet 363665, MedGen C1866182, MONDO:0011150, OMIM 601812.
Infantile myofibromatosis (IMF). Also called: Congenital generalized fibromatosis. Identifiers: Orphanet 2591, MedGen C0432284, MONDO:0016824.
Basal ganglia calcification, idiopathic, 4 (PFBC4). Also called: Familial Idiopathic Basal Ganglia Calcification 4; PRIMARY FAMILIAL BRAIN CALCIFICATION 4, AUTOSOMAL DOMINANT. Identifiers: Orphanet 1980, MedGen C3554321, MONDO:0014004, OMIM 615007.

Submission:

Labcorp Genetics (formerly Invitae), Labcorp
Classification: Uncertain significance for Basal ganglia calcification, idiopathic, 4; Skeletal overgrowth-craniofacial dysmorphism-hyperelastic skin-white matter lesions syndrome; Infantile myofibromatosis; Acroosteolysis-keloid-like lesions-premature aging syndrome. Last evaluated: 2025-10-04. Review status: criteria provided, single submitter. Criteria: Invitae Variant Classification Sherloc (09022015). Collection method: clinical testing. Allele origin: germline.
Comment: This sequence change replaces glutamic acid, which is acidic and polar, with lysine, which is basic and polar, at codon 133 of the PDGFRB protein (p.Glu133Lys). This variant is not present in population databases (gnomAD no frequency). This variant has not been reported in the literature in individuals affected with PDGFRB-related conditions. Invitae Evidence Modeling of protein sequence and biophysical properties (such as structural, functional, and spatial information, amino acid conservation, physicochemical variation, residue mobility, and thermodynamic stability) indicates that this missense variant is not expected to disrupt PDGFRB protein function with a negative predictive value of 80%. In summary, the available evidence is currently insufficient to determine the role of this variant in disease. Therefore, it has been classified as a Variant of Uncertain Significance.